The following is an entry in ClinVar:

ClinVar aggregate classification (germline): Uncertain significance (1 of 4 stars; one submission).

Conditions:
Hyperinsulinism-hyperammonemia syndrome (HHF6). Identifiers: Orphanet 35878, MedGen C1847555, MONDO:0011717, OMIM 606762.

Submission:

Centre for Mendelian Genomics, University Medical Centre Ljubljana
Classification: Uncertain significance for Hyperinsulinism-hyperammonemia syndrome. Last evaluated: 2020-03-31. Review status: criteria provided, single submitter. Criteria: ACMG Guidelines, 2015. Collection method: clinical testing. Allele origin: unknown. Affected: yes.
Comment: This variant was classified as: Uncertain significance. The available evidence favors the pathogenic nature of this variant, however the currently available data is insufficient to conclusively support its pathogenic nature. Thus this variant is classified as Uncertain significance - favor pathogenic. The following ACMG criteria were applied in classifying this variant: PM2,PP2,PP3.

NM_005271.5(GLUD1):c.226C>T (p.Arg76Cys)

Genes: GLUD1 (glutamate dehydrogenase 1; minus strand), SHLD2 (shieldin complex subunit 2; plus strand). Cytogenetic location: 10q23.2.
Variant type: single nucleotide variant.
Coding change: c.226C>T on transcript NM_005271.5 (MANE Select); coding-DNA position 226, C replaced by T.
Protein change: p.Arg76Cys; replaces arginine 76 with cysteine.
Molecular consequence: missense variant. On other transcripts: 5 prime UTR variant (3).
Genome position (GRCh38, 1-based): chr10:87,094,544, G>A on the plus strand (C>T on the coding strand, the complement: GLUD1 is on the minus strand). VCF-style: chr10-87094544-G-A. GRCh37 (hg19) VCF-style: chr10-88854301-G-A.
Other names: c.-503C>T (NM_001318904.2); c.-629C>T (NM_001318905.2); c.-336C>T (NM_001318906.2); short protein forms R76C.
Identifiers: ClinVar variation 930939 (VCV000930939.3), dbSNP rs1841666156, ClinGen allele CA377456183.